The following is an entry in ClinVar:

NM_006493.4(CLN5):c.174-2A>G

Gene: CLN5 (CLN5 lysosomal BMP synthase; plus strand). Cytogenetic location: 13q22.3.
Variant type: single nucleotide variant.
Coding change: c.174-2A>G on transcript NM_006493.4 (MANE Select); the canonical splice acceptor site of the intron before coding-DNA position 174, A replaced by G.
Molecular consequence: splice acceptor variant.
Genome position (GRCh38, 1-based): chr13:76,995,061, A>G. VCF-style: chr13-76995061-A-G. GRCh37 (hg19) VCF-style: chr13-77569196-A-G.
Other names: c.174-2A>G (NM_001366624.2).
Identifiers: ClinVar variation 929174 (VCV000929174.4), dbSNP rs2034241585, ClinGen allele CA388307645.

ClinVar aggregate classification (germline): Likely pathogenic. Review status: criteria provided, multiple submitters, no conflicts (2 of 4 stars). 4 submissions from 4 submitters: Likely pathogenic (4). Last evaluated 2025-12-01.

Conditions:
Neuronal ceroid lipofuscinosis. Also called: Neuronal Ceroid Lipofuscinoses. Identifiers: Orphanet 216, Orphanet 79263, MedGen C0027877, MONDO:0016295. Disease mechanism: loss of function.
Neuronal ceroid lipofuscinosis 5 (CLN5). Also called: CEROID LIPOFUSCINOSIS, NEURONAL, 5, VARIABLE AGE AT ONSET; Neuronal ceroid lipofuscinosis Finnish variant; NEURONAL CEROID LIPOFUSCINOSIS, LATE INFANTILE, FINNISH VARIANT; CLN5-Related Neuronal Ceroid-Lipofuscinosis. Identifiers: Orphanet 168491, Orphanet 228360, MedGen C1850442, MONDO:0009745, OMIM 256731.

Submissions (4):

Labcorp Genetics (formerly Invitae), Labcorp
Classification: Likely pathogenic for Neuronal ceroid lipofuscinosis. Last evaluated: 2025-12-01. Review status: criteria provided, single submitter. Criteria: Invitae Variant Classification Sherloc (09022015). Collection method: clinical testing. Allele origin: germline.
Comment: This sequence change affects an acceptor splice site in intron 1 of the CLN5 gene. It is expected to disrupt RNA splicing. Variants that disrupt the donor or acceptor splice site typically lead to a loss of protein function (PMID: 16199547), and loss-of-function variants in CLN5 are known to be pathogenic (PMID: 20157158). This variant is not present in population databases (gnomAD no frequency). This variant has not been reported in the literature in individuals affected with CLN5-related conditions. ClinVar contains an entry for this variant (Variation ID: 929174). Algorithms developed to predict the effect of sequence changes on RNA splicing suggest that this variant may disrupt the consensus splice site. In summary, the currently available evidence indicates that the variant is pathogenic, but additional data are needed to prove that conclusively. Therefore, this variant has been classified as Likely Pathogenic.

Natera, Inc.
Classification: Likely pathogenic for Neuronal ceroid lipofuscinosis. Last evaluated: 2025-07-16. Review status: criteria provided, single submitter. Criteria: Natera Variant Classification Schema (03/2026). Collection method: clinical testing. Allele origin: germline.
Comment: The c.321-2A>G variant in CLN5 is a canonical splice acceptor site variant predicted to affect pre-mRNA splicing, which may result in an abnormal transcript and altered protein product. This variant is expected to result in nonsense mediated decay, truncation, or a dysfunctional protein product. This variant is rare in the general population with a frequency below the threshold expected for the associated phenotype(s). Given the available evidence, this variant is classified as Likely Pathogenic.

Baylor Genetics
Classification: Likely pathogenic for Neuronal ceroid lipofuscinosis 5. Last evaluated: 2024-03-12. Review status: criteria provided, single submitter. Criteria: ACMG Guidelines, 2015. Collection method: clinical testing. Allele origin: unknown.

Women's Health and Genetics/Laboratory Corporation of America, LabCorp
Classification: Likely pathogenic for Neuronal ceroid lipofuscinosis 5. Last evaluated: 2019-02-22. Review status: criteria provided, single submitter. Criteria: LabCorp Variant Classification Summary - May 2015. Collection method: clinical testing. Allele origin: germline.
Comment: Variant summary: CLN5 c.321-2A>G is located in a canonical splice-site and is predicted to affect mRNA splicing resulting in a significantly altered protein due to either exon skipping, shortening, or inclusion of intronic material. Several computational tools predict a significant impact on normal splicing: Five predict the variant abolishes a 3' acceptor site. However, these predictions have yet to be confirmed by functional studies. The variant was absent in 245446 control chromosomes (gnomAD). To our knowledge, no occurrence of c.321-2A>G in individuals affected with Neuronal Ceroid-Lipofuscinosis (Batten Disease) and no experimental evidence demonstrating its impact on protein function have been reported. No clinical diagnostic laboratories have submitted clinical-significance assessments for this variant to ClinVar after 2014. Based on the evidence outlined above, the variant was classified as likely pathogenic.

Literature cited by the submitters: PubMed 16199547 (cited by Labcorp Genetics (formerly Invitae), Labcorp); PubMed 20157158 (cited by Labcorp Genetics (formerly Invitae), Labcorp).